The following is an entry in ClinVar:

NC_000014.8:g.(?_50131805)_(50133151_?)del

Gene: POLE2 (DNA polymerase epsilon 2, accessory subunit; minus strand). Cytogenetic location: 14q21.3.
Variant type: Deletion.
Identifiers: ClinVar variation 1482451 (VCV001482451.4).

ClinVar aggregate classification (germline): Uncertain significance (1 of 4 stars; one submission).

Submission:

Labcorp Genetics (formerly Invitae), Labcorp
Classification: Uncertain significance. Last evaluated: 2023-08-04. Review status: criteria provided, single submitter. Criteria: Invitae Variant Classification Sherloc (09022015). Collection method: clinical testing. Allele origin: germline.
Comment: This variant is a gross deletion of the genomic region encompassing exon(s) 7-8 of the POLE2 gene. This variant would be expected to be in-frame, preserving the integrity of the reading frame. This variant has not been reported in the literature in individuals affected with POLE2-related conditions. Experimental studies and prediction algorithms are not available or were not evaluated, and the functional significance of this variant is currently unknown. In summary, the available evidence is currently insufficient to determine the role of this variant in disease. Therefore, it has been classified as a Variant of Uncertain Significance.